The following is an entry in ClinVar:

NM_007294.4(BRCA1):c.5188A>T (p.Asn1730Tyr)

Gene: BRCA1 (BRCA1 DNA repair associated; minus strand). Cytogenetic location: 17q21.31.
Variant type: single nucleotide variant.
Coding change: c.5188A>T on transcript NM_007294.4 (MANE Select); coding-DNA position 5188, A replaced by T.
Protein change: p.Asn1730Tyr; replaces asparagine 1730 with tyrosine.
Molecular consequence: missense variant. On other transcripts: non-coding transcript variant (1).
Genome position (GRCh38, 1-based): chr17:43,063,338, T>A on the plus strand (A>T on the coding strand, the complement: BRCA1 is on the minus strand). VCF-style: chr17-43063338-T-A. GRCh37 (hg19) VCF-style: chr17-41215355-T-A.
Other names: c.4975A>T, p.Asn1659Tyr (NM_001407571.1, NM_001407900.1, NM_001407902.1 and 12 more transcripts); c.5254A>T, p.Asn1752Tyr (NM_001407581.1, NM_001407582.1); c.5251A>T, p.Asn1751Tyr (NM_001407583.1, NM_001407585.1, NM_001407587.1 and 1 more transcripts); c.5185A>T, p.Asn1729Tyr (NM_001407610.1, NM_001407611.1, NM_001407612.1 and 17 more transcripts); c.5182A>T, p.Asn1728Tyr (NM_001407629.1, NM_001407630.1, NM_001407631.1 and 14 more transcripts); c.5128A>T, p.Asn1710Tyr (NM_001407649.1); c.5110A>T, p.Asn1704Tyr (NM_001407652.1, NM_001407653.1, NM_001407654.1 and 1 more transcripts); c.5107A>T, p.Asn1703Tyr (NM_001407656.1, NM_001407657.1, NM_001407658.1); and 72 more; short protein forms N626Y, N1751Y, N1730Y, N1683Y, N1576Y, N1618Y, N1662Y, N1729Y.
Identifiers: ClinVar variation 865096 (VCV000865096.3), dbSNP rs2051856271, ClinGen allele CA10591165.

Conditions:
Breast-ovarian cancer, familial, susceptibility to, 1 (BROVCA1). Also called: BRCA1 Hereditary Breast and Ovarian Cancer; OVARIAN CANCER, SUSCEPTIBILITY TO. Identifiers: Orphanet 145, MedGen C2676676, MONDO:0011450, OMIM 604370. Disease mechanism: loss of function.

Submission:

Brotman Baty Institute, University of Washington
No classification provided (evidence only). Condition: Breast-ovarian cancer, familial 1. Review status: no classification provided. Collection method: in vitro. Allele origin: not applicable. Functional consequence: functionally_normal.
ClinVar note: "not provided" was previously submitted as the classification for the variant. However, the classification appeared to be based only on an observation of functional data so it was converted to no classification on 2025-07-30.